The following is an entry in ClinVar:

ClinVar aggregate classification (germline): Benign/Likely benign. Review status: criteria provided, multiple submitters, no conflicts (2 of 4 stars). 2 submissions from 2 submitters: Benign (1); Likely benign (1). Last evaluated 2026-07-14.

Conditions:
Rhabdoid tumor predisposition syndrome 2 (RTPS2). Identifiers: Orphanet 231108, Orphanet 69077, MedGen C2750074, MONDO:0013224, OMIM 613325.

Submissions (2):

Myriad Genetics, Inc.
Classification: Benign for Rhabdoid tumor predisposition syndrome 2. Last evaluated: 2026-07-14. Review status: criteria provided, single submitter. Criteria: Myriad Autosomal Dominant, Autosomal Recessive and X-Linked Classification Criteria (2023). Collection method: clinical testing. Allele origin: unknown.
Comment: This variant is considered benign. This variant is a silent/synonymous amino acid change and it is not expected to impact splicing.

Labcorp Genetics (formerly Invitae), Labcorp
Classification: Likely benign for Rhabdoid tumor predisposition syndrome 2. Last evaluated: 2020-02-18. Review status: criteria provided, single submitter. Criteria: Invitae Variant Classification Sherloc (09022015). Collection method: clinical testing. Allele origin: germline.

NM_003072.5(SMARCA4):c.3373A>C (p.Arg1125=)

Gene: SMARCA4 (SWI/SNF related BAF chromatin remodeling complex subunit ATPase 4; plus strand). Cytogenetic location: 19p13.2.
Variant type: single nucleotide variant.
Coding change: c.3373A>C on transcript NM_003072.5 (MANE Select); coding-DNA position 3373, A replaced by C.
Protein change: p.Arg1125=; no amino-acid change (arginine 1125 retained).
Molecular consequence: synonymous variant. On other transcripts: non-coding transcript variant (1).
Genome position (GRCh38, 1-based): chr19:11,027,941, A>C. VCF-style: chr19-11027941-A-C. GRCh37 (hg19) VCF-style: chr19-11138617-A-C.
Other names: c.3373A>C, p.Arg1125= (NM_001128844.3, NM_001128845.2, NM_001128846.2 and 5 more transcripts).
Identifiers: ClinVar variation 1094575 (VCV001094575.10), dbSNP rs2146546382, ClinGen allele CA505491852.